The following is an entry in ClinVar:

NM_001079802.2(FKTN):c.907C>A (p.Leu303Ile)

Gene: FKTN (fukutin; plus strand). Cytogenetic location: 9q31.2.
Variant type: single nucleotide variant.
Coding change: c.907C>A on transcript NM_001079802.2 (MANE Select); coding-DNA position 907, C replaced by A.
Protein change: p.Leu303Ile; replaces leucine 303 with isoleucine.
Molecular consequence: missense variant. On other transcripts: non-coding transcript variant (1).
Genome position (GRCh38, 1-based): chr9:105,615,404, C>A. VCF-style: chr9-105615404-C-A. GRCh37 (hg19) VCF-style: chr9-108377685-C-A.
Other names: c.907C>A, p.Leu303Ile (NM_001198963.2, NM_001351496.2, NM_001351498.2 and 1 more transcripts); c.838C>A, p.Leu280Ile (NM_001351497.2); c.511C>A, p.Leu171Ile (NM_001351499.2, NM_001351500.2, NM_001351501.2 and 1 more transcripts); short protein forms L303I, L171I, L280I.
Identifiers: ClinVar variation 2477680 (VCV002477680.3), dbSNP rs147778604, ClinGen allele CA5170514.

ClinVar aggregate classification (germline): Uncertain significance (1 of 4 stars; one submission).

Conditions:
Cardiovascular phenotype. Identifiers: MedGen CN230736.

Allele frequency attached by ClinVar (database versions not stated): gnomAD exomes below 0.00001; TOPMed 0.00001; ExAC 0.00002; gnomAD 0.00002; ESP Exome Variant Server 0.00008.
gnomAD v4.1: 5 of 1,613,860 alleles (0.00031%); highest among the groups gnomAD compares: African/African-American, 0.0067%; no homozygotes.

Submission:

Ambry Genetics
Classification: Uncertain significance for Cardiovascular phenotype. Last evaluated: 2025-12-16. Review status: criteria provided, single submitter. Criteria: Ambry Variant Classification Scheme 2023. Collection method: clinical testing. Allele origin: germline.
Comment: The p.L303I variant (also known as c.907C>A), located in coding exon 6 of the FKTN gene, results from a C to A substitution at nucleotide position 907. The leucine at codon 303 is replaced by isoleucine, an amino acid with highly similar properties. This amino acid position is conserved. In addition, this alteration is predicted to be deleterious by in silico analysis. Based on the available evidence, the clinical significance of this variant remains unclear.